The following is an entry in ClinVar:

ClinVar aggregate classification (germline): Uncertain significance (1 of 4 stars; one submission).

Allele frequency attached by ClinVar (database versions not stated): TOPMed below 0.00001; gnomAD 0.00002; ExAC 0.00007; gnomAD exomes 0.00007.
gnomAD v4.1: 49 of 1,613,244 alleles (0.003%); highest among the groups gnomAD compares: South Asian, 0.053%; 1 homozygote.

Submission:

Labcorp Genetics (formerly Invitae), Labcorp
Classification: Uncertain significance. Last evaluated: 2020-12-22. Review status: criteria provided, single submitter. Criteria: Invitae Variant Classification Sherloc (09022015). Collection method: clinical testing. Allele origin: germline.
Comment: This sequence change falls in intron 25 of the TRPM1 gene. It does not directly change the encoded amino acid sequence of the TRPM1 protein. It affects a nucleotide within the consensus splice site of the intron. This variant is present in population databases (rs769382982, ExAC 0.05%). This variant has not been reported in the literature in individuals with TRPM1-related conditions. Nucleotide substitutions within the consensus splice site are a relatively common cause of aberrant splicing (PMID: 17576681, 9536098). Algorithms developed to predict the effect of sequence changes on RNA splicing suggest that this variant may disrupt the consensus splice site, but this prediction has not been confirmed by published transcriptional studies. In summary, the available evidence is currently insufficient to determine the role of this variant in disease. Therefore, it has been classified as a Variant of Uncertain Significance.

Literature cited by the submitters: PubMed 17576681; PubMed 9536098.

NM_001252024.2(TRPM1):c.3496+6T>C

Genes: TRPM1 (transient receptor potential cation channel subfamily M member 1; minus strand), TRPM1-AS1 (TRPM1 antisense RNA 1; plus strand), LOC126862088 (BRD4-independent group 4 enhancer GRCh37_chr15:31318084-31319283; plus strand). Cytogenetic location: 15q13.3.
Variant type: single nucleotide variant.
Coding change: c.3496+6T>C on transcript NM_001252024.2 (MANE Select); 6 bases into the intron after coding-DNA position 3496, T replaced by C.
Molecular consequence: intron variant.
Genome position (GRCh38, 1-based): chr15:31,026,909, A>G on the plus strand (T>C on the coding strand, the complement: TRPM1 is on the minus strand). VCF-style: chr15-31026909-A-G. GRCh37 (hg19) VCF-style: chr15-31319112-A-G.
Other names: c.3547+6T>C (NM_001252020.2); c.3430+6T>C (NM_002420.6).
Identifiers: ClinVar variation 1346191 (VCV001346191.3), dbSNP rs769382982, ClinGen allele CA7451871.